The following is an entry in ClinVar:

ClinVar aggregate classification (germline): Conflicting classifications of pathogenicity. Review status: criteria provided, conflicting classifications (1 of 4 stars). 11 submissions from 11 submitters: Uncertain significance (4); Likely benign (7). Last evaluated 2026-01-27.

Conditions:
TSC2-related disorder. Also called: TSC2-related condition; TSC2-Related Disorders.
Hereditary cancer-predisposing syndrome. Also called: Neoplastic Syndromes, Hereditary; Tumor predisposition; Hereditary Cancer Syndrome; Hereditary neoplastic syndrome. Identifiers: Orphanet 140162, MedGen C0027672, MeSH D009386, MONDO:0015356.
Tuberous sclerosis syndrome (TSC). Also called: Tuberous Sclerosis Complex; Tuberous sclerosis. Identifiers: Orphanet 805, MedGen C0041341, MONDO:0001734.
Tuberous sclerosis 2 (TSC2). Identifiers: Orphanet 805, MedGen C1860707, MONDO:0013199, OMIM 613254.

Allele frequency attached by ClinVar (database versions not stated): ExAC 0.00005; gnomAD exomes 0.00005 and 0.00006; gnomAD 0.00006; ESP Exome Variant Server 0.00008; TOPMed 0.00008.
gnomAD v4.1: 74 of 1,612,816 alleles (0.0046%); highest among the groups gnomAD compares: South Asian, 0.016%; 2 homozygotes.

Submissions (11):

Labcorp Genetics (formerly Invitae), Labcorp
Classification: Likely benign for Tuberous sclerosis 2. Last evaluated: 2026-01-27. Review status: criteria provided, single submitter. Criteria: Invitae Variant Classification Sherloc (09022015). Collection method: clinical testing. Allele origin: germline.

Mayo Clinic Laboratories, Mayo Clinic
Classification: Uncertain significance. Last evaluated: 2025-08-17. Review status: criteria provided, single submitter. Criteria: ACMG Guidelines, 2015. Collection method: clinical testing. Allele origin: germline. Observed: 1 variant allele.
Comment: BS1

Myriad Genetics, Inc.
Classification: Likely benign for Tuberous sclerosis 2. Last evaluated: 2025-05-27. Review status: criteria provided, single submitter. Criteria: Myriad Autosomal Dominant, Autosomal Recessive and X-Linked Classification Criteria (2023). Collection method: clinical testing. Allele origin: unknown.
Comment: This variant is considered likely benign. This variant has been observed at a population frequency that is significantly greater than expected given the associated disease prevalence and penetrance.

PreventionGenetics, part of Exact Sciences
Classification: Uncertain significance for TSC2-related condition. Last evaluated: 2025-01-29. Review status: criteria provided, single submitter. Criteria: ACMG Guidelines, 2015. Collection method: clinical testing. Allele origin: germline.
Comment: The TSC2 c.3100G>A variant is predicted to result in the amino acid substitution p.Val1034Ile. To our knowledge, this variant has not been reported in the literature. This variant is reported in 0.014% of alleles in individuals of Latino descent in gnomAD, which may be too common to be causative, and has conflicting interpretations in ClinVar regarding its pathogenicity, ranging from uncertain significance to likely benign. Although we suspect that this variant may be benign, at this time, the clinical significance of this variant is uncertain due to the absence of conclusive functional and genetic evidence.

Blueprint Genetics
Classification: Likely benign. Last evaluated: 2024-10-29. Review status: criteria provided, single submitter. Criteria: ACMG Guidelines, 2015. Collection method: clinical testing. Allele origin: germline.

ARUP Laboratories, Molecular Genetics and Genomics, ARUP Laboratories
Classification: Uncertain significance. Last evaluated: 2024-02-27. Review status: criteria provided, single submitter. Criteria: ARUP Molecular Germline Variant Investigation Process 2024. Collection method: clinical testing. Allele origin: germline.
Comment: The TSC2 c.3100G>A; p.Val1034Ile variant (rs146745242) is not reported in the medical literature in association with cancer but is reported in ClinVar (Variation ID: 389789). This variant is found in the general population with an overall allele frequency of 0.006% (18/281,980 alleles) in the Genome Aggregation Database (v2.1.1). Computational analyses are uncertain whether this variant is neutral or deleterious (REVEL: 0.491). Due to limited information, the clinical significance of this variant is uncertain at this time.

Color Diagnostics, LLC DBA Color Health
Classification: Likely benign for Tuberous sclerosis syndrome. Last evaluated: 2022-08-16. Review status: criteria provided, single submitter. Criteria: ACMG Guidelines, 2015. Collection method: clinical testing. Allele origin: germline.

Genome-Nilou Lab
Classification: Likely benign for Tuberous sclerosis 2. Last evaluated: 2021-11-07. Review status: criteria provided, single submitter. Criteria: ACMG Guidelines, 2015. Collection method: clinical testing. Allele origin: germline. Affected: no.

Institute for Clinical Genetics, University Hospital TU Dresden, University Hospital TU Dresden
Classification: Uncertain significance. Last evaluated: 2021-11-03. Review status: criteria provided, single submitter. Criteria: ACMG Guidelines, 2015. Collection method: clinical testing. Allele origin: germline.

Ambry Genetics
Classification: Likely benign for Hereditary cancer-predisposing syndrome. Last evaluated: 2020-09-28. Review status: criteria provided, single submitter. Criteria: Ambry Variant Classification Scheme 2023. Collection method: clinical testing. Allele origin: germline.

GeneDx
Classification: Likely benign. Last evaluated: 2020-05-22. Review status: criteria provided, single submitter. Criteria: GeneDx Variant Classification Process June 2021. Collection method: clinical testing. Allele origin: germline. Affected: yes.
Comment: This variant is associated with the following publications: (PMID: 31623367)

Literature cited by the submitters: PubMed 27930734 (cited by Ambry Genetics).

NM_000548.5(TSC2):c.3100G>A (p.Val1034Ile)

Gene: TSC2 (TSC complex subunit 2; plus strand). Cytogenetic location: 16p13.3.
Variant type: single nucleotide variant.
Coding change: c.3100G>A on transcript NM_000548.5 (MANE Select); coding-DNA position 3100, G replaced by A.
Protein change: p.Val1034Ile; replaces valine 1034 with isoleucine.
Molecular consequence: missense variant.
Genome position (GRCh38, 1-based): chr16:2,079,165, G>A. VCF-style: chr16-2079165-G-A. GRCh37 (hg19) VCF-style: chr16-2129166-G-A.
Other names: p.Val1034Ile; c.3100G>A (NM_000548.4); c.2968G>A, p.Val990Ile (NM_001077183.3, NM_001370404.1); c.3100G>A, p.Val1034Ile (NM_001114382.3); c.2860G>A, p.Val954Ile (NM_001318827.2); c.2824G>A, p.Val942Ile (NM_001318829.2); c.2368G>A, p.Val790Ile (NM_001318831.2); c.3001G>A, p.Val1001Ile (NM_001318832.2); and 1 more; short protein forms V1034I, V1001I, V942I, V790I, V990I, V991I, V954I.
Identifiers: ClinVar variation 389789 (VCV000389789.29), dbSNP rs146745242, ClinGen allele CA044207.
Genomic context (GRCh38, chr16:2,079,165, plus strand): 5'-AGCCTGAAAAACCTCCACCTGGAGCTCACGGAAACCTGTCTGGACATGATGGCTCGATAC[G>A]TCTTCTCCAACTTCACGGCTGTCCCGAAGAGGTCCAGGCGGCACTACAGGGCTGGGCGGG-3'
Protein context (NP_000539.2, residues 1024-1044): ETCLDMMARY[Val1034Ile]FSNFTAVPKR